The following is an entry in ClinVar:

ClinVar aggregate classification (germline): Uncertain significance (1 of 4 stars; one submission).

Conditions:
Genitopatellar syndrome (GTPTS). Also called: ABSENT PATELLAE, SCROTAL HYPOPLASIA, RENAL ANOMALIES, FACIAL DYSMORPHISM, AND MENTAL RETARDATION; Genitopatellar syndrome (GPS). Identifiers: Orphanet 85201, MedGen C1853566, MONDO:0011640, OMIM 606170.

gnomAD v4.1: 11 of 1,611,352 alleles (0.00068%); highest among the groups gnomAD compares: Non-Finnish European, 0.00085%; no homozygotes.

Submission:

Labcorp Genetics (formerly Invitae), Labcorp
Classification: Uncertain significance for Genitopatellar syndrome. Last evaluated: 2026-01-18. Review status: criteria provided, single submitter. Criteria: Invitae Variant Classification Sherloc (09022015). Collection method: clinical testing. Allele origin: germline.
Comment: This sequence change replaces proline, which is neutral and non-polar, with leucine, which is neutral and non-polar, at codon 1893 of the KAT6B protein (p.Pro1893Leu). This variant is present in population databases (no rsID available, gnomAD 0.0009%). This variant has not been reported in the literature in individuals affected with KAT6B-related conditions. Invitae Evidence Modeling of protein sequence and biophysical properties (such as structural, functional, and spatial information, amino acid conservation, physicochemical variation, residue mobility, and thermodynamic stability) indicates that this missense variant is expected to disrupt KAT6B protein function with a positive predictive value of 80%. In summary, the available evidence is currently insufficient to determine the role of this variant in disease. Therefore, it has been classified as a Variant of Uncertain Significance.

NM_012330.4(KAT6B):c.5678C>T (p.Pro1893Leu)

Gene: KAT6B (lysine acetyltransferase 6B; plus strand). Cytogenetic location: 10q22.2.
Variant type: single nucleotide variant.
Coding change: c.5678C>T on transcript NM_012330.4 (MANE Select); coding-DNA position 5678, C replaced by T.
Protein change: p.Pro1893Leu; replaces proline 1893 with leucine.
Molecular consequence: missense variant.
Genome position (GRCh38, 1-based): chr10:75,030,502, C>T. VCF-style: chr10-75030502-C-T. GRCh37 (hg19) VCF-style: chr10-76790260-C-T.
Other names: c.5129C>T, p.Pro1710Leu (NM_001256468.2, NM_001370138.1); c.4802C>T, p.Pro1601Leu (NM_001370140.1, NM_001370141.1, NM_001370142.1 and 2 more transcripts); c.4613C>T, p.Pro1538Leu (NM_001370143.1, NM_001370144.1); c.4640C>T, p.Pro1547Leu (NM_001370132.1); c.3989C>T, p.Pro1330Leu (NM_001370133.1); c.3593C>T, p.Pro1198Leu (NM_001370134.1); c.3335C>T, p.Pro1112Leu (NM_001370135.1); c.5678C>T, p.Pro1893Leu (NM_001370136.1, NM_001370137.1); short protein forms P1538L, P1112L, P1547L, P1601L, P1198L, P1330L, P1710L, P1893L.
Identifiers: ClinVar variation 4738278 (VCV004738278.1).